The following is an entry in ClinVar:

ClinVar aggregate classification (germline): Conflicting classifications of pathogenicity. Review status: criteria provided, conflicting classifications (1 of 4 stars). 4 submissions from 4 submitters: Uncertain significance (1); Likely benign (3). Last evaluated 2025-11-01.

Conditions:
Inborn genetic diseases. Identifiers: MedGen C0950123, MeSH D030342.

Allele frequency attached by ClinVar (database versions not stated): TOPMed 0.00019; gnomAD 0.00020; gnomAD exomes 0.00021; ExAC 0.00052.
gnomAD v4.1: 339 of 1,601,726 alleles (0.021%); highest among the groups gnomAD compares: Middle Eastern, 0.033%; no homozygotes.

Submissions (4):

CeGaT Center for Human Genetics Tuebingen
Classification: Likely benign. Last evaluated: 2025-11-01. Review status: criteria provided, single submitter. Criteria: CeGaT Center For Human Genetics Tuebingen Variant Classification Criteria Version 2. Collection method: clinical testing. Allele origin: germline. Affected: yes. Observed: 1 variant allele.
Comment: MYRF: BP4

Laboratory of Genetics, Children's Clinical University Hospital Latvia
Classification: Likely benign. Last evaluated: 2025-02-16. Review status: criteria provided, single submitter. Criteria: ACMG Guidelines, 2015. Collection method: clinical testing. Allele origin: germline. Affected: yes.

Blueprint Genetics
Classification: Likely benign. Last evaluated: 2024-11-20. Review status: criteria provided, single submitter. Criteria: ACMG Guidelines, 2015. Collection method: clinical testing. Allele origin: germline.

Ambry Genetics
Classification: Uncertain significance for Inborn genetic diseases. Last evaluated: 2022-09-27. Review status: criteria provided, single submitter. Criteria: Ambry Variant Classification Scheme 2023. Collection method: clinical testing. Allele origin: germline.

NM_001127392.3(MYRF):c.227G>A (p.Ser76Asn)

Gene: MYRF (myelin regulatory factor; plus strand). Cytogenetic location: 11q12.2.
Variant type: single nucleotide variant.
Coding change: c.227G>A on transcript NM_001127392.3 (MANE Select); coding-DNA position 227, G replaced by A.
Protein change: p.Ser76Asn; replaces serine 76 with asparagine.
Molecular consequence: missense variant.
Genome position (GRCh38, 1-based): chr11:61,766,050, G>A. VCF-style: chr11-61766050-G-A. GRCh37 (hg19) VCF-style: chr11-61533522-G-A.
Other names: c.200G>A, p.Ser67Asn (NM_013279.4); short protein forms S67N, S76N.
Identifiers: ClinVar variation 2366952 (VCV002366952.10), dbSNP rs775076363, ClinGen allele CA6037470.